The following is an entry in ClinVar:

ClinVar aggregate classification (germline): Conflicting classifications of pathogenicity. Review status: criteria provided, conflicting classifications (1 of 4 stars). 7 submissions from 6 submitters: Uncertain significance (3); Likely benign (4). Last evaluated 2025-10-08.

Conditions:
RYR1-related disorder. Also called: RYR1-related condition; RYR1-related disorders. Identifiers: MedGen CN239331.
Congenital multicore myopathy with external ophthalmoplegia (CMYO1B). Also called: Minicore myopathy with external ophthalmoplegia; MULTIMINICORE DISEASE WITH EXTERNAL OPHTHALMOPLEGIA; Congenital myopathy 1B, autosomal recessive; Minicore myopathy; MULTICORE MYOPATHY. Identifiers: Orphanet 598, Orphanet 98905, MedGen C1850674, MONDO:0009712, OMIM 255320, HP:0003789.
Malignant hyperthermia, susceptibility to, 1 (MHS1). Also called: Malignant hyperthermia suceptibility 1; RYR1-Related Malignant Hyperthermia Susceptibility; Anesthesia related hyperthermia; Malignant hyperpyrexia; Fulminating hyperpyrexia; Pharmacogenic myopathy. Identifiers: Orphanet 423, MedGen C2930980, MONDO:0007783, OMIM 145600.

Allele frequency attached by ClinVar (database versions not stated): ExAC 0.00004; gnomAD 0.00005; gnomAD exomes 0.00006; TOPMed 0.00007; ESP Exome Variant Server 0.00008.
gnomAD v4.1: 106 of 1,613,958 alleles (0.0066%); highest among the groups gnomAD compares: Middle Eastern, 0.066%; no homozygotes.

Submissions (7):

Labcorp Genetics (formerly Invitae), Labcorp
Classification: Likely benign for RYR1-related disorder. Last evaluated: 2025-10-08. Review status: criteria provided, single submitter. Criteria: Invitae Variant Classification Sherloc (09022015). Collection method: clinical testing. Allele origin: germline.

CeGaT Center for Human Genetics Tuebingen
Classification: Likely benign. Last evaluated: 2024-07-01. Review status: criteria provided, single submitter. Criteria: CeGaT Center For Human Genetics Tuebingen Variant Classification Criteria Version 2. Collection method: clinical testing. Allele origin: germline. Affected: yes. Observed: 2 variant alleles.
Comment: RYR1: BP4, BP7

All of Us Research Program, National Institutes of Health
Classification: Likely benign for Malignant hyperthermia, susceptibility to, 1. Last evaluated: 2023-10-06. Review status: criteria provided, single submitter. Criteria: ACMG Guidelines, 2015. Collection method: clinical testing. Allele origin: germline. Inheritance: Autosomal dominant inheritance. Observed: 12 variant alleles, 12 heterozygotes.
Comment: This study involves interpretation of variants in research participants for the purpose of population health screening. Participant phenotype was not available at the time of variant classification. Additional details can be found in publication PMID: 35346344, PMCID: PMC8962531

Color Diagnostics, LLC DBA Color Health
Classification: Likely benign for Malignant hyperthermia, susceptibility to, 1. Last evaluated: 2022-11-06. Review status: criteria provided, single submitter. Criteria: ACMG Guidelines, 2015. Collection method: clinical testing. Allele origin: germline.

Revvity Omics, Revvity
Classification: Uncertain significance. Last evaluated: 2019-07-11. Review status: criteria provided, single submitter. Criteria: ACMG Guidelines, 2015. Collection method: clinical testing. Allele origin: germline.

Illumina Laboratory Services, Illumina
Classification: Uncertain significance for Malignant hyperthermia, susceptibility to, 1. Last evaluated: 2018-01-13. Review status: criteria provided, single submitter. Criteria: ICSL Variant Classification Criteria 13 December 2019. Collection method: clinical testing. Allele origin: germline.

Illumina Laboratory Services, Illumina
Classification: Uncertain significance for Congenital multicore myopathy with external ophthalmoplegia. Last evaluated: 2018-01-13. Review status: criteria provided, single submitter. Criteria: ICSL Variant Classification Criteria 13 December 2019. Collection method: clinical testing. Allele origin: germline.

NM_000540.3(RYR1):c.14283G>A (p.Pro4761=)

Gene: RYR1 (ryanodine receptor 1; plus strand). Cytogenetic location: 19q13.2.
Variant type: single nucleotide variant.
Coding change: c.14283G>A on transcript NM_000540.3 (MANE Select); coding-DNA position 14283, G replaced by A.
Protein change: p.Pro4761=; no amino-acid change (proline 4761 retained).
Molecular consequence: synonymous variant.
Genome position (GRCh38, 1-based): chr19:38,578,028, G>A. VCF-style: chr19-38578028-G-A. GRCh37 (hg19) VCF-style: chr19-39068668-G-A.
Other names: c.14268G>A, p.Pro4756= (NM_001042723.2).
Identifiers: ClinVar variation 329136 (VCV000329136.37), dbSNP rs201157293, ClinGen allele CA061035.
Genomic context (GRCh38, chr19:38,578,028, plus strand): 5'-ACTGGGCATGGACCTGGCCACACTAGAGATCACAGCCCACAATGAGCGCAAGCCCAACCC[G>A]CCGCCAGGGCTGCTGACCTGGTGAGCCCAGGACACCCCTGCACAGGCCTGGGGCATGCAG-3'
Protein context (NP_000531.2, residues 4751-4771): ITAHNERKPN[Pro4761=]PPGLLTWLMS